The following is an entry in ClinVar:

ClinVar aggregate classification (germline): Uncertain significance (1 of 4 stars; one submission).

Conditions:
Glycogen storage disease, type II (IOPD). Also called: Pompe Disease; CARDIOMEGALIA GLYCOGENICA DIFFUSA; GLYCOGENOSIS, GENERALIZED, CARDIAC FORM; GSD II; POMPE DISEASE, INFANTILE-ONSET; GLYCOGEN STORAGE DISEASE II, INFANTILE-ONSET. Identifiers: Orphanet 365, MedGen C0017921, MONDO:0009290, OMIM 232300.

Submission:

Genomenon, Inc
Classification: Uncertain significance for Glycogen storage disease, type II. Last evaluated: 2026-07-01. Review status: criteria provided, single submitter. Criteria: Genomenon Sequence Variant Interpretation Standards - Updated. Collection method: curation. Allele origin: germline. Affected: no.
Comment: GAA p.Phe414Leu (c.1242C>A) is a missense variant that changes the amino acid at codon 414 from Phenylalanine to Leucine. This variant has been reported in the published literature (PMID:31342611;33560568). It is absent or not present at a significant frequency in gnomAD. In silico models predict that this variant is possibly or probably damaging. In conclusion, we classify GAA p.Phe414Leu (c.1242C>A) as a variant of uncertain significance.

Literature cited by the submitters: PubMed 31342611; PubMed 33560568.

NM_000152.5(GAA):c.1242C>A (p.Phe414Leu)

Gene: GAA (alpha glucosidase; plus strand). Cytogenetic location: 17q25.3.
Variant type: single nucleotide variant.
Coding change: c.1242C>A on transcript NM_000152.5 (MANE Select); coding-DNA position 1242, C replaced by A.
Protein change: p.Phe414Leu; replaces phenylalanine 414 with leucine.
Molecular consequence: missense variant.
Genome position (GRCh38, 1-based): chr17:80,108,744, C>A. VCF-style: chr17-80108744-C-A. GRCh37 (hg19) VCF-style: chr17-78082543-C-A.
Other names: c.1242C>A, p.Phe414Leu (NM_001079803.3, NM_001079804.3, NM_001406741.1 and 1 more transcripts); short protein forms F414L.
Identifiers: ClinVar variation 4876494 (VCV004876494.1).